The following is an entry in ClinVar:

NM_001366521.1(ATP2B1):c.3101C>G (p.Ser1034Ter)

Gene: ATP2B1 (ATPase plasma membrane Ca2+ transporting 1; minus strand). Cytogenetic location: 12q21.33.
Variant type: single nucleotide variant.
Coding change: c.3101C>G on transcript NM_001366521.1 (MANE Select); coding-DNA position 3101, C replaced by G.
Protein change: p.Ser1034Ter; replaces serine 1034 with a stop codon.
Molecular consequence: nonsense. On other transcripts: non-coding transcript variant (2), intron variant (5).
Genome position (GRCh38, 1-based): chr12:89,601,393, G>C on the plus strand (C>G on the coding strand, the complement: ATP2B1 is on the minus strand). VCF-style: chr12-89601393-G-C. GRCh37 (hg19) VCF-style: chr12-89995170-G-C.
Other names: c.3101C>G, p.Ser1034Ter (NM_001366523.1, NM_001366524.1, NM_001366525.1 and 8 more transcripts); c.2903C>G, p.Ser968Ter (NM_001366530.1, NM_001413053.1); c.2540C>G, p.Ser847Ter (NM_001366531.1, NM_001366532.1, NM_001413060.1 and 2 more transcripts); c.3060+1650C>G (NM_001413050.1, NM_001366529.1, NM_001366528.1 and 1 more transcripts); c.2919+1650C>G (NM_001413055.1); c.3062C>G, p.Ser1021Ter (NM_001413048.1); c.2960C>G, p.Ser987Ter (NM_001413051.1, NM_001413052.1); c.2858C>G, p.Ser953Ter (NM_001413054.1); and 2 more; short protein forms S1021*, S1034*, S847*, S883*, S949*, S953*, S968*, S987*.
Identifiers: ClinVar variation 4850193 (VCV004850193.1).
Genomic context (GRCh38, chr12:89,601,393, plus strand): 5'-CAGAGTAATGTTCCCATTCCTAGGAATATTGACCATAGCCACTGTTCTATTGAAAGTTCT[G>C]AACAACTGAAAGGTTTTCCACCAAACTGCACAATTATTATCTGGAGGAATAATCAAGAGT-3'

ClinVar aggregate classification (germline): Likely pathogenic (1 of 4 stars; one submission).

Conditions:
Intellectual developmental disorder, autosomal dominant 66. Also called: MENTAL RETARDATION, AUTOSOMAL DOMINANT 66. Identifiers: MedGen C5677000, MONDO:0030891, OMIM 619910.

Submission:

Variantyx, Inc.
Classification: Likely pathogenic for Intellectual developmental disorder, autosomal dominant 66. Last evaluated: 2025-09-18. Review status: criteria provided, single submitter. Criteria: Variantyx Assertion Criteria 2022. Collection method: clinical testing. Allele origin: germline. Inheritance: Autosomal dominant inheritance. Affected: yes.
Comment: This is a nonsense variant in the ATP2B1 gene (OMIM: 108731). Pathogenic variants in this gene have been associated with autosomal dominant intellectual developmental disorder 66. This variant introduces a premature termination codon in exon 18 out of 21 and is expected to result in loss of function, which is a known disease mechanism for ATP2B1 in this disorder (PMID: 35358416) (PVS1). This variant is absent from control populations (PM2). Based on the current evidence, this variant is classified as likely pathogenic for autosomal dominant intellectual developmental disorder 66.

Literature cited by the submitters: PubMed 35358416.